The following is an entry in ClinVar:

ClinVar aggregate classification (germline): Pathogenic/Likely pathogenic. Review status: criteria provided, multiple submitters, no conflicts (2 of 4 stars). 4 submissions from 4 submitters: Pathogenic (1); Likely pathogenic (3). Last evaluated 2025-06-20.

Conditions:
Vitamin D-dependent rickets, type 1A. Also called: VITAMIN D HYDROXYLATION-DEFICIENT RICKETS, TYPE 1A; PDDR IA; PSEUDOVITAMIN D-DEFICIENCY RICKETS, TYPE IA. Identifiers: MedGen CN283242, MONDO:0020723, OMIM 264700.
CYP27B1-related disorder. Also called: CYP27B1-related condition.

Allele frequency attached by ClinVar (database versions not stated): gnomAD exomes 0.00002; ExAC 0.00003; gnomAD 0.00005 and 0.00006; TOPMed 0.00006.
gnomAD v4.1: 23 of 1,613,804 alleles (0.0014%); highest among the groups gnomAD compares: African/African-American, 0.012%; no homozygotes.

Submissions (4):

Labcorp Genetics (formerly Invitae), Labcorp
Classification: Likely pathogenic. Last evaluated: 2025-06-20. Review status: criteria provided, single submitter. Criteria: Invitae Variant Classification Sherloc (09022015). Collection method: clinical testing. Allele origin: germline.
Comment: This sequence change replaces arginine, which is basic and polar, with histidine, which is basic and polar, at codon 453 of the CYP27B1 protein (p.Arg453His). This variant is present in population databases (rs759208930, gnomAD 0.02%). This missense change has been observed in individuals with clinical features of vitamin D-dependent rickets (PMID: 20926527, 36321535). ClinVar contains an entry for this variant (Variation ID: 267276). Invitae Evidence Modeling of protein sequence and biophysical properties (such as structural, functional, and spatial information, amino acid conservation, physicochemical variation, residue mobility, and thermodynamic stability) indicates that this missense variant is expected to disrupt CYP27B1 protein function with a positive predictive value of 80%. This variant disrupts the p.Arg453 amino acid residue in CYP27B1. Other variant(s) that disrupt this residue have been determined to be pathogenic (internal data). This suggests that this residue is clinically significant, and that variants that disrupt this residue are likely to be disease-causing. In summary, the currently available evidence indicates that the variant is pathogenic, but additional data are needed to prove that conclusively. Therefore, this variant has been classified as Likely Pathogenic.

Women's Health and Genetics/Laboratory Corporation of America, LabCorp
Classification: Pathogenic for Vitamin D-dependent rickets, type 1A. Last evaluated: 2025-05-30. Review status: criteria provided, single submitter. Criteria: LabCorp Variant Classification Summary - May 2015. Collection method: clinical testing. Allele origin: germline.
Comment: Variant summary: CYP27B1 c.1358G>A (p.Arg453His) results in a non-conservative amino acid change in the encoded protein sequence. Algorithms developed to predict the effect of missense changes on protein structure and function all suggest that this variant is likely to be disruptive. The variant allele was found at a frequency of 2.4e-05 in 251352 control chromosomes. c.1358G>A has been observed in multiple compound heterozygous and homozygous individuals affected with Vitamin D-dependent rickets (e.g. Edouard_2011, Meaux_2023). These data indicate that the variant is very likely to be associated with disease. To our knowledge, no experimental evidence demonstrating an impact on protein function has been reported. The following publications have been ascertained in the context of this evaluation (PMID: 20926527, 36321535). ClinVar contains an entry for this variant (Variation ID: 267276). Based on the evidence outlined above, the variant was classified as pathogenic.

Fulgent Genetics
Classification: Likely pathogenic for Vitamin D-dependent rickets, type 1A. Last evaluated: 2024-05-31. Review status: criteria provided, single submitter. Criteria: ACMG Guidelines, 2015. Collection method: clinical testing. Allele origin: germline.

PreventionGenetics, part of Exact Sciences
Classification: Likely pathogenic for CYP27B1-related condition. Last evaluated: 2022-09-28. Review status: criteria provided, single submitter. Criteria: ACMG Guidelines, 2015. Collection method: clinical testing. Allele origin: germline.
Comment: The CYP27B1 c.1358G>A variant is predicted to result in the amino acid substitution p.Arg453His. This variant has been reported along with a second pathogenic CYP27B1 variant in one individual with Pseudovitamin D-deficiency rickets (Supplemental Table 1, Edouard et al 2011. PubMed ID: 20926527). This variant is reported in 0.020% of alleles in individuals of African descent in gnomAD. A different variant affecting the same amino acid (p.Arg459Cys) has also been reported in association with Pseudovitamin D-deficiency rickets (Human Gene Mutation Database). In summary, this variant is interpreted as likely pathogenic.

Literature cited by the submitters: PubMed 20926527 (cited by Labcorp Genetics (formerly Invitae), Labcorp and Women's Health and Genetics/Laboratory Corporation of America, LabCorp); PubMed 36321535 (cited by Labcorp Genetics (formerly Invitae), Labcorp and Women's Health and Genetics/Laboratory Corporation of America, LabCorp).

NM_000785.4(CYP27B1):c.1358G>A (p.Arg453His)

Gene: CYP27B1 (cytochrome P450 family 27 subfamily B member 1; minus strand). Cytogenetic location: 12q14.1.
Variant type: single nucleotide variant.
Coding change: c.1358G>A on transcript NM_000785.4 (MANE Select); coding-DNA position 1358, G replaced by A.
Protein change: p.Arg453His; replaces arginine 453 with histidine.
Molecular consequence: missense variant.
Genome position (GRCh38, 1-based): chr12:57,763,666, C>T on the plus strand (G>A on the coding strand, the complement: CYP27B1 is on the minus strand). VCF-style: chr12-57763666-C-T. GRCh37 (hg19) VCF-style: chr12-58157449-C-T.
Other names: c.1358G>A (NM_000785.3); short protein forms R453H.
Identifiers: ClinVar variation 267276 (VCV000267276.9), dbSNP rs759208930, ClinGen allele CA6658146.
Genomic context (GRCh38, chr12:57,763,666, plus strand): 5'-CTCACCTGGGCCAAAGCCATTTGCAATTCAAGCTCTGCCAGGCGTCTCCCCATACAGCTG[C>T]GCTTGCCAAAGCCAAAGGGAAGAGATGCAAATGGGTGGGGGGTGGGACCCTCCCCCAGCC-3'
Protein context (NP_000776.1, residues 443-463): FASLPFGFGK[Arg453His]SCMGRRLAEL